The following is an entry in ClinVar:

NM_001127208.3(TET2):c.226C>G (p.Pro76Ala)

Genes: TET2 (tet methylcytosine dioxygenase 2; plus strand), TET2-AS1 (TET2 antisense RNA 1; minus strand). Cytogenetic location: 4q24.
Variant type: single nucleotide variant.
Coding change: c.226C>G on transcript NM_001127208.3 (MANE Select); coding-DNA position 226, C replaced by G.
Protein change: p.Pro76Ala; replaces proline 76 with alanine.
Molecular consequence: missense variant.
Genome position (GRCh38, 1-based): chr4:105,234,168, C>G. VCF-style: chr4-105234168-C-G. GRCh37 (hg19) VCF-style: chr4-106155325-C-G.
Other names: c.226C>G, p.Pro76Ala (NM_017628.4); short protein forms P76A.
Identifiers: ClinVar variation 4182953 (VCV004182953.1).

ClinVar aggregate classification (germline): Uncertain significance (1 of 4 stars; one submission).

gnomAD v4.1: 2 of 1,614,014 alleles (0.00012%); highest among the groups gnomAD compares: Non-Finnish European, 0.00017%; no homozygotes.

Submission:

Ambry Genetics
Classification: Uncertain significance. Last evaluated: 2025-07-09. Review status: criteria provided, single submitter. Criteria: Ambry Variant Classification Scheme 2023. Collection method: clinical testing. Allele origin: germline.
Comment: The p.P76A variant (also known as c.226C>G), located in coding exon 1 of the TET2 gene, results from a C to G substitution at nucleotide position 226. The proline at codon 76 is replaced by alanine, an amino acid with highly similar properties. This amino acid position is conserved. In addition, this alteration is predicted to be tolerated by in silico analysis. Based on the available evidence, the clinical significance of this variant remains unclear.